The following is an entry in ClinVar:

ClinVar aggregate classification (germline): Uncertain significance (1 of 4 stars; one submission).

Conditions:
Mucopolysaccharidosis, MPS-III-A (MPS3A). Also called: HEPARAN SULFATE SULFATASE DEFICIENCY; SANFILIPPO SYNDROME A; SULFAMIDASE DEFICIENCY; MPS III A; Mucopolysaccharidosis, type IIIA; MUCOPOLYSACCHARIDOSIS, TYPE IIIA, ATTENUATED. Identifiers: Orphanet 581, Orphanet 79269, MedGen C0086647, MONDO:0009655, OMIM 252900.

Allele frequency attached by ClinVar (database versions not stated): gnomAD exomes 0.00002; TOPMed 0.00002; ExAC 0.00003; gnomAD 0.00002.
gnomAD v4.1: 28 of 1,613,892 alleles (0.0017%); highest among the groups gnomAD compares: South Asian, 0.019%; 1 homozygote.

Submission:

Labcorp Genetics (formerly Invitae), Labcorp
Classification: Uncertain significance for Mucopolysaccharidosis, MPS-III-A. Last evaluated: 2022-07-11. Review status: criteria provided, single submitter. Criteria: Invitae Variant Classification Sherloc (09022015). Collection method: clinical testing. Allele origin: germline.
Comment: This sequence change replaces arginine, which is basic and polar, with tryptophan, which is neutral and slightly polar, at codon 382 of the SGSH protein (p.Arg382Trp). This variant is present in population databases (rs751150121, gnomAD 0.02%). This variant has not been reported in the literature in individuals affected with SGSH-related conditions. Algorithms developed to predict the effect of missense changes on protein structure and function are either unavailable or do not agree on the potential impact of this missense change (SIFT: "Deleterious"; PolyPhen-2: "Possibly Damaging"; Align-GVGD: "Class C0"). In summary, the available evidence is currently insufficient to determine the role of this variant in disease. Therefore, it has been classified as a Variant of Uncertain Significance.

NM_000199.5(SGSH):c.1144C>T (p.Arg382Trp)

Gene: SGSH (N-sulfoglucosamine sulfohydrolase; minus strand). Cytogenetic location: 17q25.3.
Variant type: single nucleotide variant.
Coding change: c.1144C>T on transcript NM_000199.5 (MANE Select); coding-DNA position 1144, C replaced by T.
Protein change: p.Arg382Trp; replaces arginine 382 with tryptophan.
Molecular consequence: missense variant. On other transcripts: 3 prime UTR variant (2), non-coding transcript variant (1).
Genome position (GRCh38, 1-based): chr17:80,210,817, G>A on the plus strand (C>T on the coding strand, the complement: SGSH is on the minus strand). VCF-style: chr17-80210817-G-A. GRCh37 (hg19) VCF-style: chr17-78184616-G-A.
Other names: c.*231C>T (NM_001352921.3); c.*194C>T (NM_001352922.2); short protein forms R382W.
Identifiers: ClinVar variation 2073126 (VCV002073126.1), dbSNP rs751150121, ClinGen allele CA8817660.